The following is an entry in ClinVar:

NM_001366145.2(TRPM3):c.1802C>A (p.Pro601His)

Gene: TRPM3 (transient receptor potential cation channel subfamily M member 3; minus strand). Cytogenetic location: 9q21.12.
Variant type: single nucleotide variant.
Coding change: c.1802C>A on transcript NM_001366145.2 (MANE Select); coding-DNA position 1802, C replaced by A.
Protein change: p.Pro601His; replaces proline 601 with histidine.
Molecular consequence: missense variant.
Genome position (GRCh38, 1-based): chr9:70,625,198, G>T on the plus strand (C>A on the coding strand, the complement: TRPM3 is on the minus strand). VCF-style: chr9-70625198-G-T. GRCh37 (hg19) VCF-style: chr9-73240114-G-T.
Other names: c.1766C>A, p.Pro589His (NM_001007471.4, NM_001366150.2, NM_001366151.2); c.1772C>A, p.Pro591His (NM_001366141.2, NM_001366143.2); c.1808C>A, p.Pro603His (NM_001366142.2); c.1802C>A, p.Pro601His (NM_001366146.2, NM_001366149.2); c.1877C>A, p.Pro626His (NM_001366147.2, NM_001366148.2, NM_001366152.2); c.1343C>A, p.Pro448His (NM_001366154.2, NM_024971.7, NM_206945.5); c.1307C>A, p.Pro436His (NM_020952.6, NM_206944.5); c.1382C>A, p.Pro461His (NM_206946.5, NM_206947.5); short protein forms P436H, P448H, P461H, P589H, P591H, P601H, P603H, P626H.
Identifiers: ClinVar variation 2662256 (VCV002662256.1), dbSNP rs747401266, ClinGen allele CA373560457.
Genomic context (GRCh38, chr9:70,625,198, plus strand): 5'-CCCATACACCCTAGTCCTCCCAGGAAGGGCCCCGAATTTGCAGCCAGCCTCACCCTCTTG[G>T]GGCCGAAGAGGTTGTGGTAGAGGGTCCGGAAGCGCTTGCGCGTGTAGTTGCAGCGATAAG-3'
Protein context (NP_001353074.1, residues 591-611): FRTLYHNLFG[Pro601His]KRPKALKLLG

ClinVar aggregate classification (germline): Uncertain significance (1 of 4 stars; one submission).

Allele frequency attached by ClinVar (database versions not stated): TOPMed below 0.00001; gnomAD 0.00001.
gnomAD v4.1: 2 of 1,613,858 alleles (0.00012%); highest among the groups gnomAD compares: Non-Finnish European, 0.00017%; no homozygotes.

Submission:

GeneDx
Classification: Uncertain significance. Last evaluated: 2023-05-15. Review status: criteria provided, single submitter. Criteria: GeneDx Variant Classification Process June 2021. Collection method: clinical testing. Allele origin: germline. Affected: yes.
Comment: Not observed at significant frequency in large population cohorts (gnomAD); In silico analysis supports that this missense variant does not alter protein structure/function; Has not been previously published as pathogenic or benign to our knowledge